The following is an entry in ClinVar:

NM_001323289.2(CDKL5):c.577G>C (p.Asp193His)

Gene: CDKL5 (cyclin dependent kinase like 5; plus strand). Cytogenetic location: Xp22.13.
Variant type: single nucleotide variant.
Coding change: c.577G>C on transcript NM_001323289.2 (MANE Select); coding-DNA position 577, G replaced by C.
Protein change: p.Asp193His; replaces aspartic acid 193 with histidine.
Molecular consequence: missense variant.
Genome position (GRCh38, 1-based): chrX:18,587,976, G>C. VCF-style: chrX-18587976-G-C. GRCh37 (hg19) VCF-style: chrX-18606096-G-C.
Other names: NM_003159.3:c.577G>C; c.577G>C, p.Asp193His (NM_001037343.2, NM_003159.3); short protein forms D193H.
Identifiers: ClinVar variation 3344019 (VCV003344019.1).

ClinVar aggregate classification (germline): Likely pathogenic (1 of 4 stars; one submission).

Conditions:
CDKL5 disorder. Identifiers: MedGen CN296942, MONDO:0100039.

Submission:

Centre for Population Genomics, CPG
Classification: Likely pathogenic for CDKL5 disorder. Last evaluated: 2024-07-23. Review status: criteria provided, single submitter. Criteria: McKnight et al. (Hum Mutat. 2022). Collection method: curation. Allele origin: germline. Inheritance: X-linked inheritance.
Comment: This variant has been collected from RettBASE and curated to current modified ACMG/AMP criteria. Based on the classification scheme defined by the ClinGen Rett/Angelman-like Expert Panel for Rett/AS-like Disorders Specifications to the ACMG/AMP Variant Interpretation Guidelines VCEP 3.0, this variant is classified as likely pathogenic. At least the following criteria are met: >=2 different missense variants in the same codon have been classified as pathogenic (PM5_Strong). Variation ID: 1432338 , Variation ID: 143826 Computational prediction analysis tools suggests a deleterious impact (REVEL score>= 0.75) (PP3). Has been observed in at least 2 individuals with phenotypes consistent with CDKL5 disorder (PS4_Supporting). PMID:25657822 PMID:27781031 This variant is absent from gnomAD v4 (PM2_Supporting).